The following is an entry in ClinVar:

NM_024753.5(TTC21B):c.511G>A (p.Gly171Arg)

Genes: TTC21B (tetratricopeptide repeat domain 21B; minus strand), TTC21B-AS1 (TTC21B antisense RNA 1; plus strand). Cytogenetic location: 2q24.3.
Variant type: single nucleotide variant.
Coding change: c.511G>A on transcript NM_024753.5 (MANE Select); coding-DNA position 511, G replaced by A.
Protein change: p.Gly171Arg; replaces glycine 171 with arginine.
Molecular consequence: missense variant.
Genome position (GRCh38, 1-based): chr2:165,943,260, C>T on the plus strand (G>A on the coding strand, the complement: TTC21B is on the minus strand). VCF-style: chr2-165943260-C-T. GRCh37 (hg19) VCF-style: chr2-166799770-C-T.
Other names: short protein forms G171R.
Identifiers: ClinVar variation 528908 (VCV000528908.20), dbSNP rs199821354, ClinGen allele CA1942419.

ClinVar aggregate classification (germline): Conflicting classifications of pathogenicity. Review status: criteria provided, conflicting classifications (1 of 4 stars). 6 submissions from 6 submitters: Uncertain significance (2); Benign (1); Likely benign (2). 1 of the submissions does not count toward it. Last evaluated 2026-02-01.

Conditions:
Connective tissue disorder. Also called: Connective tissue disease. Identifiers: MedGen C0009782, MONDO:0003900.
Jeune thoracic dystrophy. Also called: Jeune syndrome; Infantile thoracic dystrophy; Thoracic pelvic phalangeal dystrophy; Jeune's syndrome; Chondroectodermal dysplasia-like syndrome; Short-rib thoracic dysplasia. Identifiers: Orphanet 474, MedGen C0265275, MONDO:0018770.
Nephronophthisis. Also called: Juvenile Nephronophthisis. Identifiers: Orphanet 655, MedGen C0687120, MONDO:0019005, HP:0000090.
TTC21B-related disorder. Also called: TTC21B-related disorders; TTC21B-related condition.

Allele frequency attached by ClinVar (database versions not stated): gnomAD exomes 0.00009 and 0.00024; ExAC 0.00029; ESP Exome Variant Server 0.00077; TOPMed 0.00110; gnomAD 0.00121 and 0.00124; 1000 Genomes Project 0.00160; 1000 Genomes Project 30x 0.00187.

Submissions (6):

Labcorp Genetics (formerly Invitae), Labcorp
Classification: Likely benign for Jeune thoracic dystrophy; Nephronophthisis. Last evaluated: 2026-02-01. Review status: criteria provided, single submitter. Criteria: Invitae Variant Classification Sherloc (09022015). Collection method: clinical testing. Allele origin: germline.

GeneDx
Classification: Uncertain significance. Last evaluated: 2024-07-24. Review status: criteria provided, single submitter. Criteria: GeneDx Variant Classification Process June 2021. Collection method: clinical testing. Allele origin: germline. Affected: yes.
Comment: In silico analysis supports that this missense variant has a deleterious effect on protein structure/function; Has not been previously published as pathogenic or benign in association with TTC21B-related ciliopathy to our knowledge; This variant is associated with the following publications: (PMID: 33100332)

Blueprint Genetics
Classification: Benign. Last evaluated: 2024-07-19. Review status: criteria provided, single submitter. Criteria: ACMG Guidelines, 2015. Collection method: clinical testing. Allele origin: germline.

Genome Diagnostics Laboratory, The Hospital for Sick Children
Classification: Uncertain significance for Connective tissue disorder. Last evaluated: 2022-04-22. Review status: criteria provided, single submitter. Criteria: ACMG Guidelines, 2015. Collection method: clinical testing. Allele origin: germline.

Breakthrough Genomics
Classification: Likely benign. Review status: criteria provided, single submitter. Criteria: ACMG Guidelines, 2015. Collection method: not provided. Allele origin: germline. Inheritance: Autosomal recessive inheritance. Affected: yes.

PreventionGenetics, part of Exact Sciences
Classification: Likely benign for TTC21B-related condition. Last evaluated: 2021-08-16. Review status: no assertion criteria provided. Collection method: clinical testing. Allele origin: germline. Not counted in ClinVar's aggregate classification.
Comment: This variant is classified as likely benign based on ACMG/AMP sequence variant interpretation guidelines (Richards et al. 2015 PMID: 25741868, with internal and published modifications).